The following is an entry in ClinVar:

NM_001378457.1(DMXL2):c.8275G>T (p.Val2759Leu)

Gene: DMXL2 (Dmx like 2; minus strand). Cytogenetic location: 15q21.2.
Variant type: single nucleotide variant.
Coding change: c.8275G>T on transcript NM_001378457.1 (MANE Select); coding-DNA position 8275, G replaced by T.
Protein change: p.Val2759Leu; replaces valine 2759 with leucine.
Molecular consequence: missense variant. On other transcripts: non-coding transcript variant (2).
Genome position (GRCh38, 1-based): chr15:51,457,390, C>A on the plus strand (G>T on the coding strand, the complement: DMXL2 is on the minus strand). VCF-style: chr15-51457390-C-A. GRCh37 (hg19) VCF-style: chr15-51749587-C-A.
Other names: c.8212G>T, p.Val2738Leu (NM_001174116.3); c.6301G>T, p.Val2101Leu (NM_001174117.3); c.8272G>T, p.Val2758Leu (NM_001378458.1); c.7987G>T, p.Val2663Leu (NM_001378459.1); c.6190G>T, p.Val2064Leu (NM_001378460.1); c.8209G>T, p.Val2737Leu (NM_015263.5); short protein forms V2101L, V2737L, V2759L, V2064L, V2663L, V2738L, V2758L.
Identifiers: ClinVar variation 3695507 (VCV003695507.2).

ClinVar aggregate classification (germline): Uncertain significance (1 of 4 stars; one submission).

Submission:

Labcorp Genetics (formerly Invitae), Labcorp
Classification: Uncertain significance. Last evaluated: 2024-03-08. Review status: criteria provided, single submitter. Criteria: Invitae Variant Classification Sherloc (09022015). Collection method: clinical testing. Allele origin: germline.
Comment: This sequence change replaces valine, which is neutral and non-polar, with leucine, which is neutral and non-polar, at codon 2738 of the DMXL2 protein (p.Val2738Leu). This variant is present in population databases (rs770147573, gnomAD 0.002%). This variant has not been reported in the literature in individuals affected with DMXL2-related conditions. An algorithm developed to predict the effect of missense changes on protein structure and function (PolyPhen-2) suggests that this variant is likely to be tolerated. In summary, the available evidence is currently insufficient to determine the role of this variant in disease. Therefore, it has been classified as a Variant of Uncertain Significance.